The following is an entry in ClinVar:

NM_001384140.1(PCDH15):c.4203-9C>A

Gene: PCDH15 (protocadherin related 15; minus strand). Cytogenetic location: 10q21.1.
Variant type: single nucleotide variant.
Coding change: c.4203-9C>A on transcript NM_001384140.1 (MANE Select); 9 bases into the intron before coding-DNA position 4203, C replaced by A.
Molecular consequence: intron variant.
Genome position (GRCh38, 1-based): chr10:53,828,582, G>T on the plus strand (C>A on the coding strand, the complement: PCDH15 is on the minus strand). VCF-style: chr10-53828582-G-T. GRCh37 (hg19) VCF-style: chr10-55588342-G-T.
Other names: c.4203-9C>A (NM_001354420.2, NM_001354429.2, NM_001142772.2 and 3 more transcripts); c.4218-9C>A (NM_001142771.2, NM_001142763.2); c.4224-9C>A (NM_001354411.2); c.4239-9C>A (NM_001142769.3); c.4137-9C>A (NM_001354404.2, NM_001142768.2); c.4137-1034C>A (NM_001142773.2); c.4092-1034C>A (NM_001142767.2); c.3990-9C>A (NM_001142765.2); and 1 more.
Identifiers: ClinVar variation 1466074 (VCV001466074.5), dbSNP rs746654002, ClinGen allele CA5505424.
Genomic context (GRCh38, chr10:53,828,582, plus strand): 5'-CCTATTACATGAAAAGGATGTGTAAAATGTTAATTATACTTACACTTTAAACCTGTTTGG[G>T]AAAGCAAGAGTAAGAAAAATAGAAAGCTACATTAGAACTATTGCATTAATAACATTTTAA-3'

ClinVar aggregate classification (germline): Uncertain significance (1 of 4 stars; one submission).

Allele frequency attached by ClinVar (database versions not stated): gnomAD exomes below 0.00001; gnomAD 0.00002; TOPMed 0.00001; ExAC 0.00001.
gnomAD v4.1: 5 of 1,545,166 alleles (0.00032%); highest among the groups gnomAD compares: Non-Finnish European, 0.00045%; no homozygotes.

Submission:

Labcorp Genetics (formerly Invitae), Labcorp
Classification: Uncertain significance. Last evaluated: 2022-07-22. Review status: criteria provided, single submitter. Criteria: Invitae Variant Classification Sherloc (09022015). Collection method: clinical testing. Allele origin: germline.
Comment: This sequence change falls in intron 30 of the PCDH15 gene. It does not directly change the encoded amino acid sequence of the PCDH15 protein. This variant is present in population databases (rs746654002, gnomAD 0.0009%). This variant has not been reported in the literature in individuals affected with PCDH15-related conditions. ClinVar contains an entry for this variant (Variation ID: 1466074). Algorithms developed to predict the effect of sequence changes on RNA splicing suggest that this variant may disrupt the consensus splice site. In summary, the available evidence is currently insufficient to determine the role of this variant in disease. Therefore, it has been classified as a Variant of Uncertain Significance.